The following is an entry in ClinVar:

NM_001127222.2(CACNA1A):c.5732-311G>A

Gene: CACNA1A (calcium voltage-gated channel subunit alpha1 A; minus strand). Cytogenetic location: 19p13.13.
Variant type: single nucleotide variant.
Coding change: c.5732-311G>A on transcript NM_001127222.2 (MANE Select); 311 bases into the intron before coding-DNA position 5732, G replaced by A.
Molecular consequence: intron variant.
Genome position (GRCh38, 1-based): chr19:13,214,919, C>T on the plus strand (G>A on the coding strand, the complement: CACNA1A is on the minus strand). VCF-style: chr19-13214919-C-T. GRCh37 (hg19) VCF-style: chr19-13325733-C-T.
Other names: c.5735-311G>A (NM_001127221.2); c.5741-311G>A (NM_001174080.2); c.5750-311G>A (NM_000068.4, NM_023035.3).
Identifiers: ClinVar variation 668050 (VCV000668050.1), dbSNP rs4926143, ClinGen allele CA14670604.

ClinVar aggregate classification (germline): Benign (1 of 4 stars; one submission).

Allele frequency attached by ClinVar (database versions not stated): gnomAD exomes 0.80553; gnomAD 0.83041 and 0.83467; TOPMed 0.85148; 1000 Genomes Project 0.89177; 1000 Genomes Project 30x 0.89225.
gnomAD v4.1: 294,335 of 359,836 alleles (82%); highest among the groups gnomAD compares: Middle Eastern, 91%; 121,489 homozygotes.

Submission:

GeneDx
Classification: Benign. Last evaluated: 2018-06-18. Review status: criteria provided, single submitter. Criteria: GeneDx Variant Classification (06012015). Collection method: clinical testing. Allele origin: germline. Affected: yes.
Comment: This variant is considered likely benign or benign based on one or more of the following criteria: it is a conservative change, it occurs at a poorly conserved position in the protein, it is predicted to be benign by multiple in silico algorithms, and/or has population frequency not consistent with disease.